The following is an entry in ClinVar:

ClinVar aggregate classification (germline): Likely benign. Review status: criteria provided, multiple submitters, no conflicts (2 of 4 stars). 2 submissions from 2 submitters: Likely benign (2). Last evaluated 2025-11-08.

Conditions:
GNE myopathy (NM). Also called: MYOPATHY, DISTAL, WITH OR WITHOUT RIMMED VACUOLES; IBM 2; Inclusion body myopathy autosomal recessive; Inclusion body myopathy quadriceps sparing; NONAKA DISTAL MYOPATHY; INCLUSION BODY MYOPATHY, HEREDITARY, AUTOSOMAL RECESSIVE. Identifiers: Orphanet 602, MedGen C1853926, MONDO:0011603, OMIM 605820.
Sialuria. Also called: SIALURIA, FRENCH TYPE; Sialic Acid Storage Disease. Identifiers: Orphanet 3166, MedGen C0342853, MONDO:0010028, OMIM 269921.

Allele frequency attached by ClinVar (database versions not stated): gnomAD exomes 0.00001 and 0.00002; ExAC 0.00002; gnomAD 0.00003 and 0.00004; TOPMed 0.00004; ESP Exome Variant Server 0.00015.
gnomAD v4.1: 38 of 1,610,272 alleles (0.0024%); highest among the groups gnomAD compares: African/African-American, 0.0053%; no homozygotes.

Submissions (2):

Labcorp Genetics (formerly Invitae), Labcorp
Classification: Likely benign for Sialuria; GNE myopathy. Last evaluated: 2025-11-08. Review status: criteria provided, single submitter. Criteria: Invitae Variant Classification Sherloc (09022015). Collection method: clinical testing. Allele origin: germline.

Women's Health and Genetics/Laboratory Corporation of America, LabCorp
Classification: Likely benign. Last evaluated: 2025-02-04. Review status: criteria provided, single submitter. Criteria: LabCorp Variant Classification Summary - May 2015. Collection method: clinical testing. Allele origin: germline.
Comment: Variant summary: GNE c.1727-13T>C alters a nucleotide located at a position not widely known to affect splicing. Consensus agreement among computation tools predict no significant impact on normal splicing. However, these predictions have yet to be confirmed by functional studies. The variant allele was found at a frequency of 2.4e-05 in 1603670 control chromosomes in the gnomAD database (v4.1 dataset). This frequency is not higher than estimated for a pathogenic variant in GNE causing GNE myopathy (2.4e-05 vs 0.0011), allowing no conclusion about variant significance. To our knowledge, no occurrence of c.1727-13T>C in individuals affected with GNE myopathy and no experimental evidence demonstrating its impact on protein function have been reported. ClinVar contains an entry for this variant (Variation ID: 1650768). Based on the evidence outlined above, the variant was classified as likely benign.

NM_005476.7(GNE):c.1634-13T>C

Gene: GNE (glucosamine (UDP-N-acetyl)-2-epimerase/N-acetylmannosamine kinase; minus strand). Cytogenetic location: 9p13.3.
Variant type: single nucleotide variant.
Coding change: c.1634-13T>C on transcript NM_005476.7 (MANE Select); 13 bases into the intron before coding-DNA position 1634, T replaced by C.
Molecular consequence: intron variant.
Genome position (GRCh38, 1-based): chr9:36,220,033, A>G on the plus strand (T>C on the coding strand, the complement: GNE is on the minus strand). VCF-style: chr9-36220033-A-G. GRCh37 (hg19) VCF-style: chr9-36220030-A-G.
Other names: c.1457-13T>C (NM_001190388.2, NM_001374798.1); c.1727-13T>C (NM_001128227.3); c.1304-13T>C (NM_001190384.3); c.1481-13T>C (NM_001374797.1); c.1412-13T>C (NM_001190383.3).
Identifiers: ClinVar variation 1650768 (VCV001650768.9), dbSNP rs375600956, ClinGen allele CA5056448.
Genomic context (GRCh38, chr9:36,220,033, plus strand): 5'-AGCTTCCGTGGATCAATTCATGCTGATGGATAATTCCACCACCGATTCCTACAGCGAGGG[A>G]TAGAAATCACTGAGGGTGCTTTACCTGAAACAGAAAACTATGATATCACAACGCCTCATC-3'